The following is an entry in ClinVar:

ClinVar aggregate classification (germline): Likely benign. Review status: criteria provided, single submitter (1 of 4 stars). 2 submissions from 2 submitters: Likely benign (1). 1 of the submissions does not count toward it. Last evaluated 2018-04-03.

Conditions:
ADGRG6-related disorder. Also called: ADGRG6-related condition.

Allele frequency attached by ClinVar (database versions not stated): gnomAD exomes 0.00003 and 0.00011; 1000 Genomes Project 30x 0.00016; ExAC 0.00016; 1000 Genomes Project 0.00020; gnomAD 0.00038 and 0.00044; TOPMed 0.00051; ESP Exome Variant Server 0.00058.
gnomAD v4.1: 111 of 1,604,016 alleles (0.0069%); highest among the groups gnomAD compares: African/African-American, 0.12%; no homozygotes.

Submissions (2):

Labcorp Genetics (formerly Invitae), Labcorp
Classification: Likely benign. Last evaluated: 2018-04-03. Review status: criteria provided, single submitter. Criteria: Invitae Variant Classification Sherloc (09022015). Collection method: clinical testing. Allele origin: germline.

PreventionGenetics, part of Exact Sciences
Classification: Likely benign for ADGRG6-related condition. Last evaluated: 2019-07-01. Review status: no assertion criteria provided. Collection method: clinical testing. Allele origin: germline. Not counted in ClinVar's aggregate classification.
Comment: This variant is classified as likely benign based on ACMG/AMP sequence variant interpretation guidelines (Richards et al. 2015 PMID: 25741868, with internal and published modifications).

NM_198569.3(ADGRG6):c.3575-4G>A

Gene: ADGRG6 (adhesion G protein-coupled receptor G6; plus strand). Cytogenetic location: 6q24.2.
Variant type: single nucleotide variant.
Coding change: c.3575-4G>A on transcript NM_198569.3 (MANE Select); 4 bases into the intron before coding-DNA position 3575, G replaced by A.
Molecular consequence: intron variant.
Genome position (GRCh38, 1-based): chr6:142,443,333, G>A. VCF-style: chr6-142443333-G-A. GRCh37 (hg19) VCF-style: chr6-142764470-G-A.
Other names: c.3621-4G>A (NM_020455.6); c.3537-4G>A (NM_001032394.3); c.3491-4G>A (NM_001032395.3).
Identifiers: ClinVar variation 708868 (VCV000708868.5), dbSNP rs199640141, ClinGen allele CA4027493.